The following is an entry in ClinVar:

NM_000051.4(ATM):c.7985T>A (p.Val2662Asp)

Genes: ATM (ATM serine/threonine kinase; plus strand), C11orf65 (chromosome 11 open reading frame 65; minus strand). Cytogenetic location: 11q22.3.
Variant type: single nucleotide variant.
Coding change: c.7985T>A on transcript NM_000051.4 (MANE Select); coding-DNA position 7985, T replaced by A.
Protein change: p.Val2662Asp; replaces valine 2662 with aspartic acid.
Molecular consequence: missense variant. On other transcripts: intron variant (2).
Genome position (GRCh38, 1-based): chr11:108,333,943, T>A. VCF-style: chr11-108333943-T-A. GRCh37 (hg19) VCF-style: chr11-108204670-T-A.
Other names: c.*38+1277A>T (NM_001351110.2); c.7985T>A, p.Val2662Asp (NM_001351834.2); c.641-24872A>T (NM_001330368.2); short protein forms V2662D.
Identifiers: ClinVar variation 216025 (VCV000216025.30), dbSNP rs863224463, ClinGen allele CA339537.
Genomic context (GRCh38, chr11:108,333,943, plus strand): 5'-CAGAAGGCATAAATATTCCAGCAGACCAGCCAATTACTAAACTTAAGAATTTAGAAGATG[T>A]TGTTGTCCCTACTATGGAAATTAAGGTAATTTGCAATTAACTCTTGATTTTTTTTAAACT-3'
Protein context (NP_000042.3, residues 2652-2672): PITKLKNLED[Val2662Asp]VVPTMEIKVD

ClinVar aggregate classification (germline): Pathogenic/Likely pathogenic. Review status: criteria provided, multiple submitters, no conflicts (2 of 4 stars). 11 submissions from 11 submitters: Pathogenic (6); Likely pathogenic (4). 1 of the submissions does not count toward it. Last evaluated 2025-11-25.

Conditions:
Hereditary cancer-predisposing syndrome. Also called: Neoplastic Syndromes, Hereditary; Hereditary neoplastic syndrome; Tumor predisposition; Hereditary Cancer Syndrome. Identifiers: Orphanet 140162, MedGen C0027672, MeSH D009386, MONDO:0015356.
Ataxia-telangiectasia syndrome (AT). Also called: Ataxia telangiectasia (A-T); Cerebello-oculocutaneous telangiectasia; Immunodeficiency with ataxia telangiectasia; LOUIS-BAR SYNDROME; AT, COMPLEMENTATION GROUP C; ATAXIA-TELANGIECTASIA, FRESNO VARIANT. Identifiers: Orphanet 100, MedGen C0004135, MONDO:0008840, OMIM 208900.
Familial cancer of breast. Also called: hereditary breast carcinoma; Hereditary breast cancer; BREAST CANCER, FAMILIAL. Identifiers: Orphanet 227535, MedGen C0346153, MONDO:0016419, OMIM 114480. Disease mechanism: loss of function.

Allele frequency attached by ClinVar (database versions not stated): gnomAD exomes below 0.00001; TOPMed 0.00002.
gnomAD v4.1: 3 of 1,611,270 alleles (0.00019%); highest among the groups gnomAD compares: South Asian, 0.0011%; no homozygotes.

Submissions (11):

Labcorp Genetics (formerly Invitae), Labcorp
Classification: Pathogenic for Ataxia-telangiectasia syndrome. Last evaluated: 2025-11-25. Review status: criteria provided, single submitter. Criteria: Invitae Variant Classification Sherloc (09022015). Collection method: clinical testing. Allele origin: germline.
Comment: This sequence change replaces valine, which is neutral and non-polar, with aspartic acid, which is acidic and polar, at codon 2662 of the ATM protein (p.Val2662Asp). This variant is not present in population databases (gnomAD no frequency). This missense change has been observed in individuals with ataxia telangiectasia (PMID: 22071889, 23142947, 23322442). It has also been observed to segregate with disease in related individuals. ClinVar contains an entry for this variant (Variation ID: 216025). Invitae Evidence Modeling of protein sequence and biophysical properties (such as structural, functional, and spatial information, amino acid conservation, physicochemical variation, residue mobility, and thermodynamic stability) indicates that this missense variant is expected to disrupt ATM protein function with a positive predictive value of 95%. Experimental studies have shown that this missense change affects ATM function (PMID: 22071889). For these reasons, this variant has been classified as Pathogenic.

CeGaT Center for Human Genetics Tuebingen
Classification: Likely pathogenic. Last evaluated: 2025-07-01. Review status: criteria provided, single submitter. Criteria: CeGaT Center For Human Genetics Tuebingen Variant Classification Criteria Version 2. Collection method: clinical testing. Allele origin: germline. Affected: yes. Observed: 1 variant allele.
Comment: ATM: PM1, PM2, PM3, PS3:Supporting

Women's Health and Genetics/Laboratory Corporation of America, LabCorp
Classification: Pathogenic for Ataxia-telangiectasia syndrome. Last evaluated: 2025-05-15. Review status: criteria provided, single submitter. Criteria: LabCorp Variant Classification Summary - May 2015. Collection method: clinical testing. Allele origin: germline.
Comment: Variant summary: ATM c.7985T>A (p.Val2662Asp) results in a non-conservative amino acid change in the encoded protein sequence. Algorithms developed to predict the effect of missense changes on protein structure and function all suggest that this variant is likely to be disruptive. The variant was absent in 251228 control chromosomes. c.7985T>A has been reported in the literature in multiple individuals affected with Ataxia-Telangiectasia (Jacquemin_2012, Landoure_2013). These data indicate that the variant is very likely to be associated with disease. At least one publication reports experimental evidence evaluating an impact on protein function. The most pronounced variant effect results in decreased expression levels, mislocalization to cytoplasm, and decreased phosphorylation of ATM target proteins (Jacquemin_2012, Fievet_2018). The following publications have been ascertained in the context of this evaluation (PMID: 31050087, 22071889, 23142947). ClinVar contains an entry for this variant (Variation ID: 216025). Based on the evidence outlined above, the variant was classified as pathogenic.

Molecular Diagnostics Laboratory, Catalan Institute of Oncology
Classification: Pathogenic for Hereditary cancer-predisposing syndrome. Last evaluated: 2025-04-24. Review status: criteria provided, single submitter. Criteria: ClinGen ACMG Specifications ATM V1.1.0. Collection method: clinical testing. Allele origin: germline.
Comment: PM3_VeryStrong, PM2_Supporting, PP3 c.7985T>A located in exon 54 of the ATM gene, is predicted to result in the substitution of valine by aspartic acid at codon 2662, p.(Val2662Asp). It is not present in the population database gnomAD v2.1 (non-cancer, exome only subset)(PM2_Supporting). The SpliceAI algorithm predicts no significant impact on splicing and the REVEL meta-predictor score for this variant (0.916) suggests a deleterious effect on protein function (PP3). This variant has been reported in several homozygous ataxia-telangiectasia (AT) probands (PMID: 22071889, 27066513, 23322442)(PM3_VeryStrong). In addition, the variant was also identified in the ClinVar database (5x pathogenic, 3x likely pathogenic) and in LOVD database (3x uncertain significance, 2x pathogenic). Based on currently available information, the variant c.7985T>A is classified as a pathogenic variant according to ClinGen-ATM Guidelines version v1.1.

Natera, Inc.
Classification: Likely pathogenic for Ataxia-telangiectasia. Last evaluated: 2025-04-18. Review status: criteria provided, single submitter. Criteria: Natera Variant Classification Schema (03/2026). Collection method: clinical testing. Allele origin: germline.
Comment: The c.7985T>A variant in ATM is a missense variant predicted to cause substitution of valine to aspartic acid at amino acid 2662. This variant is rare in the general population with a frequency below the threshold expected for the associated phenotype(s). This variant has been observed in one or more individuals affected with the associated recessive disease, as either homozygous or compound heterozygous with a second variant (PMID: 23322442). Additionally, this variant has been observed to segregate in affected family members (PMID: 23142947). Computational prediction algorithms indicate this variant is likely to affect gene or protein function. Given the available evidence, this variant is classified as Likely Pathogenic.

Ambry Genetics
Classification: Pathogenic for Hereditary cancer-predisposing syndrome. Last evaluated: 2024-09-23. Review status: criteria provided, single submitter. Criteria: Ambry Variant Classification Scheme 2023. Collection method: clinical testing. Allele origin: germline.
Comment: The p.V2662D pathogenic mutation (also known as c.7985T>A), located in coding exon 53 of the ATM gene, results from a T to A substitution at nucleotide position 7985. The valine at codon 2662 is replaced by aspartic acid, an amino acid with highly dissimilar properties. This alteration has been seen in the homozygous state in multiple individuals diagnosed with ataxia-telangiectasia, including three out of three affected siblings in one consanguineous family (Jacquemin V et al. Eur. J. Hum. Genet. 2012 Mar;20:305-12; Landour&eacute; G et al. J. Neurol. 2013 Jan;260:324-6; Jeddane L et al. Neuromolecular Med. 2013 Jun;15:288-94). This amino acid position is highly conserved in available vertebrate species. In addition, this alteration is predicted to be deleterious by in silico analysis. This variant is considered to be rare based on population cohorts in the Genome Aggregation Database (gnomAD). Based on the supporting evidence, this alteration is interpreted as a disease-causing mutation.

Myriad Genetics, Inc.
Classification: Likely pathogenic for Familial cancer of breast. Last evaluated: 2024-02-26. Review status: criteria provided, single submitter. Criteria: Myriad Autosomal Dominant, Autosomal Recessive and X-Linked Classification Criteria (2023). Collection method: clinical testing. Allele origin: unknown.
Comment: This variant is considered likely pathogenic. This variant has been reported in multiple individuals with clinical features of gene-specific disease [PMID: 22071889, 23142947, 23322442, 34298181]. Functional studies indicate this variant impacts protein function [PMID: 22071889]. This variant is expected to disrupt protein structure [Myriad internal data].

Baylor Genetics
Classification: Pathogenic for Familial cancer of breast. Last evaluated: 2023-02-08. Review status: criteria provided, single submitter. Criteria: ACMG Guidelines, 2015. Collection method: clinical testing. Allele origin: unknown.

Color Diagnostics, LLC DBA Color Health
Classification: Likely pathogenic for Hereditary cancer-predisposing syndrome. Last evaluated: 2021-09-08. Review status: criteria provided, single submitter. Criteria: ACMG Guidelines, 2015. Collection method: clinical testing. Allele origin: germline.
Comment: This missense variant replaces valine with aspartic acid at codon 2662 of the ATM protein. Computational prediction suggests that this variant may have deleterious impact on protein structure and function (internally defined REVEL score threshold >= 0.7, PMID: 27666373). This variant has been reported in the homozygous state in multiple individuals affected with ataxia telangiectasia (PMID: 22071889, 22109722, 23142947, 23322442, 27066513, 31050087). Cells derived from these individuals showed decreased nuclear ATM protein level and decreased phosphorylation of CHK2 and KAP1 (PMID: 22071889, 31050087). This variant has not been identified in the general population by the Genome Aggregation Database (gnomAD). Based on the available evidence, this variant is classified as Likely Pathogenic.

Revvity Omics, Revvity
Classification: Pathogenic for Ataxia-telangiectasia syndrome. Last evaluated: 2019-05-14. Review status: criteria provided, single submitter. Criteria: ACMG Guidelines, 2015. Collection method: clinical testing. Allele origin: germline.

Counsyl
Classification: Likely pathogenic for Ataxia-telangiectasia syndrome. Last evaluated: 2018-01-22. Review status: no assertion criteria provided. Collection method: clinical testing. Allele origin: unknown. Not counted in ClinVar's aggregate classification.

Literature cited by the submitters: PubMed 22071889 (cited by 6 submitters); PubMed 23142947 (cited by 7 submitters); PubMed 23322442 (cited by 5 submitters); PubMed 31050087 (cited by Women's Health and Genetics/Laboratory Corporation of America, LabCorp and Color Diagnostics, LLC DBA Color Health); PubMed 34298181 (cited by Myriad Genetics, Inc.); PubMed 22109722 (cited by Color Diagnostics, LLC DBA Color Health); PubMed 27066513 (cited by Color Diagnostics, LLC DBA Color Health).